The following is an entry in ClinVar:

NM_198578.4(LRRK2):c.6970T>G (p.Phe2324Val)

Gene: LRRK2 (leucine rich repeat kinase 2; plus strand). Cytogenetic location: 12q12.
Variant type: single nucleotide variant.
Coding change: c.6970T>G on transcript NM_198578.4 (MANE Select); coding-DNA position 6970, T replaced by G.
Protein change: p.Phe2324Val; replaces phenylalanine 2324 with valine.
Molecular consequence: missense variant.
Genome position (GRCh38, 1-based): chr12:40,359,386, T>G. VCF-style: chr12-40359386-T-G. GRCh37 (hg19) VCF-style: chr12-40753188-T-G.
Other names: short protein forms F2324V.
Identifiers: ClinVar variation 1756387 (VCV001756387.2), dbSNP rs753485632, ClinGen allele CA6514807.
Genomic context (GRCh38, chr12:40,359,386, plus strand): 5'-AGTGAATCCACAAATTCAACGGAAAGAAATGTAATGTGGGGAGGATGTGGCACAAAGATT[T>G]TCTCCTTTTCTAATGATTTCACCATTCAGAAACTCATTGAGACAAGAACAAGCCAACTGT-3'
Protein context (NP_940980.4, residues 2314-2334): VMWGGCGTKI[Phe2324Val]SFSNDFTIQK

ClinVar aggregate classification (germline): Uncertain significance (1 of 4 stars; one submission).

Conditions:
Inborn genetic diseases. Identifiers: MedGen C0950123, MeSH D030342.

Allele frequency attached by ClinVar (database versions not stated): gnomAD exomes below 0.00001; ExAC 0.00001; gnomAD 0.00002; TOPMed 0.00003.
gnomAD v4.1: 7 of 1,613,324 alleles (0.00043%); highest among the groups gnomAD compares: African/African-American, 0.008%; no homozygotes.

Submission:

Ambry Genetics
Classification: Uncertain significance for Inborn genetic diseases. Last evaluated: 2023-12-05. Review status: criteria provided, single submitter. Criteria: Ambry Variant Classification Scheme 2023. Collection method: clinical testing. Allele origin: germline.
Comment: The p.F2324V variant (also known as c.6970T>G), located in coding exon 47 of the LRRK2 gene, results from a T to G substitution at nucleotide position 6970. The phenylalanine at codon 2324 is replaced by valine, an amino acid with highly similar properties. This amino acid position is conserved. In addition, this alteration is predicted to be tolerated by in silico analysis. Since supporting evidence is limited at this time, the clinical significance of this alteration remains unclear.